The following is an entry in ClinVar:

ClinVar aggregate classification (germline): Conflicting classifications of pathogenicity. Review status: criteria provided, conflicting classifications (1 of 4 stars). 4 submissions from 4 submitters: Uncertain significance (3); Likely benign (1). Last evaluated 2025-11-23.

Conditions:
Familial cold autoinflammatory syndrome 2 (FCAS2). Identifiers: Orphanet 247868, MedGen C2673198, MONDO:0012724, OMIM 611762.
Inborn genetic diseases. Identifiers: MedGen C0950123, MeSH D030342.

Allele frequency attached by ClinVar (database versions not stated): ExAC 0.00002; gnomAD 0.00003; TOPMed 0.00003; gnomAD exomes 0.00004 and 0.00005.
gnomAD v4.1: 65 of 1,613,912 alleles (0.004%); highest among the groups gnomAD compares: South Asian, 0.022%; no homozygotes.

Submissions (4):

Labcorp Genetics (formerly Invitae), Labcorp
Classification: Uncertain significance for Familial cold autoinflammatory syndrome 2. Last evaluated: 2025-11-23. Review status: criteria provided, single submitter. Criteria: Invitae Variant Classification Sherloc (09022015). Collection method: clinical testing. Allele origin: germline.
Comment: This sequence change replaces arginine, which is basic and polar, with lysine, which is basic and polar, at codon 370 of the NLRP12 protein (p.Arg370Lys). This variant is present in population databases (rs764966959, gnomAD 0.02%). This variant has not been reported in the literature in individuals affected with NLRP12-related conditions. ClinVar contains an entry for this variant (Variation ID: 580691). Invitae Evidence Modeling of protein sequence and biophysical properties (such as structural, functional, and spatial information, amino acid conservation, physicochemical variation, residue mobility, and thermodynamic stability) indicates that this missense variant is not expected to disrupt NLRP12 protein function with a negative predictive value of 80%. In summary, the available evidence is currently insufficient to determine the role of this variant in disease. Therefore, it has been classified as a Variant of Uncertain Significance.

Ambry Genetics
Classification: Uncertain significance for Inborn genetic diseases. Last evaluated: 2025-02-08. Review status: criteria provided, single submitter. Criteria: Ambry Variant Classification Scheme 2023. Collection method: clinical testing. Allele origin: germline.

Department of Human Genetics, Hannover Medical School
Classification: Uncertain significance for Familial cold autoinflammatory syndrome 2. Last evaluated: 2024-04-12. Review status: criteria provided, single submitter. Criteria: ACMG Guidelines, 2015. Collection method: clinical testing. Allele origin: germline. Affected: yes.

Blueprint Genetics
Classification: Likely benign. Last evaluated: 2024-03-05. Review status: criteria provided, single submitter. Criteria: ACMG Guidelines, 2015. Collection method: clinical testing. Allele origin: germline.

NM_144687.4(NLRP12):c.1109G>A (p.Arg370Lys)

Gene: NLRP12 (NLR family pyrin domain containing 12; minus strand). Cytogenetic location: 19q13.42.
Variant type: single nucleotide variant.
Coding change: c.1109G>A on transcript NM_144687.4 (MANE Select); coding-DNA position 1109, G replaced by A.
Protein change: p.Arg370Lys; replaces arginine 370 with lysine.
Molecular consequence: missense variant.
Genome position (GRCh38, 1-based): chr19:53,810,550, C>T on the plus strand (G>A on the coding strand, the complement: NLRP12 is on the minus strand). VCF-style: chr19-53810550-C-T. GRCh37 (hg19) VCF-style: chr19-54313804-C-T.
Other names: c.1109G>A (NM_144687.2); c.1109G>A, p.Arg370Lys (NM_001277126.2, NM_001277129.1); short protein forms R370K.
Identifiers: ClinVar variation 580691 (VCV000580691.13), dbSNP rs764966959, ClinGen allele CA9639519.
Genomic context (GRCh38, chr19:53,810,550, plus strand): 5'-TAATTGAAGACTTGGCCCGCCTGCTCTGCATTGTGGAAATACTTGTAGAAGTATTCCTTC[C>T]TTTCTGCCTCAGAGAAGCCCAGGATCTCCACATGCCTGGGGTGCTCCAGCAGACGGTGGA-3'
Protein context (NP_653288.1, residues 360-380): VEILGFSEAE[Arg370Lys]KEYFYKYFHN